The following is an entry in ClinVar:

ClinVar aggregate classification (germline): Pathogenic. Review status: criteria provided, multiple submitters, no conflicts (2 of 4 stars). 7 submissions from 7 submitters: Pathogenic (5). 2 of the submissions do not count toward it. Last evaluated 2026-02-13.

Conditions:
RAB3GAP1-related disorder. Also called: RAB3GAP1-related condition; RAB3GAP1-related disorders.
Warburg micro syndrome 1 (WARBM1). Identifiers: Orphanet 2510, MedGen C1838625, MONDO:0010822, OMIM 600118.

Allele frequency attached by ClinVar (database versions not stated): ExAC 0.00001; gnomAD 0.00002 and 0.00003; gnomAD exomes 0.00002; TOPMed 0.00003.
gnomAD v4.1: 40 of 1,608,352 alleles (0.0025%); highest among the groups gnomAD compares: Non-Finnish European, 0.0032%; no homozygotes.

Submissions (7):

OLLIN Analises Genomicas, OLLIN
Classification: Pathogenic for Warburg micro syndrome 1. Last evaluated: 2026-02-13. Review status: criteria provided, single submitter. Criteria: ACMG Guidelines 2015 PMID 25741868. Collection method: clinical testing. Allele origin: germline. Observed: 1 variant allele.
Comment: PVS1, PM2_P, PM3_S

GeneDx
Classification: Pathogenic. Last evaluated: 2025-05-15. Review status: criteria provided, single submitter. Criteria: GeneDx Variant Classification Process June 2021. Collection method: clinical testing. Allele origin: germline. Affected: yes.
Comment: Canonical splice site variant predicted to result in an in-frame loss of the adjacent exon in a gene for which loss of function is a known mechanism of disease; This variant is associated with the following publications: (PMID: 29450879, 32740904, 23420520, 38756055)

Genomic Medicine Center of Excellence, King Faisal Specialist Hospital and Research Centre
Classification: Pathogenic for Warburg micro syndrome 1. Last evaluated: 2024-03-14. Review status: criteria provided, single submitter. Criteria: ACMG Guidelines, 2015. Collection method: research. Allele origin: germline.

CeGaT Center for Human Genetics Tuebingen
Classification: Pathogenic. Last evaluated: 2022-11-01. Review status: criteria provided, single submitter. Criteria: CeGaT Center For Human Genetics Tuebingen Variant Classification Criteria Version 2. Collection method: clinical testing. Allele origin: germline. Affected: yes. Observed: 2 variant alleles.
Comment: RAB3GAP1: PVS1:Strong, PM2, PM3, PS4:Moderate

Blueprint Genetics
Classification: Pathogenic for RAB3GAP1-related disorders. Last evaluated: 2018-12-14. Review status: criteria provided, single submitter. Criteria: ACMG Guidelines, 2015. Collection method: clinical testing. Allele origin: germline. Affected: yes. Observed: 2 variant alleles.

OMIM
Classification: Pathogenic for WARBURG MICRO SYNDROME 1. Last evaluated: 2013-05-01. Review status: no assertion criteria provided. Collection method: literature only. Allele origin: germline. Not counted in ClinVar's aggregate classification.

GeneReviews
No classification provided. Condition: Warburg micro syndrome 1. Review status: no classification provided. Collection method: literature only. Allele origin: germline. Not counted in ClinVar's aggregate classification.

Literature cited by the submitters: Seemanova, E., Lesny, I. X-linked microcephaly, microphthalmia, microcornea, congenital cataract, hypogenitalism, mental deficiency, growth retardation, spasticity: possible new syndrome. Am. J. Med. Genet. 66: 179-183, 1996. (cited by OMIM); PubMed 23420520 (cited by OMIM); NCBI Bookshelf NBK475670 (cited by GeneReviews); PubMed 29300443 (cited by GeneReviews).

NM_012233.3(RAB3GAP1):c.899+1G>A

Gene: RAB3GAP1 (RAB3 GTPase activating protein catalytic subunit 1; plus strand). Cytogenetic location: 2q21.3.
Variant type: single nucleotide variant.
Coding change: c.899+1G>A on transcript NM_012233.3 (MANE Select); the canonical splice donor site of the intron after coding-DNA position 899, G replaced by A.
Molecular consequence: splice donor variant.
Genome position (GRCh38, 1-based): chr2:135,126,250, G>A. VCF-style: chr2-135126250-G-A. GRCh37 (hg19) VCF-style: chr2-135883820-G-A.
Other names: NP_036365.1:N/A; IVS10, G-A, +1; c.899+1G>A (NM_001172435.2).
Identifiers: ClinVar variation 100769 (VCV000100769.52), dbSNP rs587777152, ClinGen allele CA150635.